The following is an entry in ClinVar:

NM_017415.3(KLHL3):c.466C>T (p.Arg156Cys)

Gene: KLHL3 (kelch like family member 3; minus strand). Cytogenetic location: 5q31.2.
Variant type: single nucleotide variant.
Coding change: c.466C>T on transcript NM_017415.3 (MANE Select); coding-DNA position 466, C replaced by T.
Protein change: p.Arg156Cys; replaces arginine 156 with cysteine.
Molecular consequence: missense variant.
Genome position (GRCh38, 1-based): chr5:137,692,345, G>A on the plus strand (C>T on the coding strand, the complement: KLHL3 is on the minus strand). VCF-style: chr5-137692345-G-A. GRCh37 (hg19) VCF-style: chr5-137028034-G-A.
Other names: c.466C>T (NM_017415.2); c.370C>T, p.Arg124Cys (NM_001257194.1); c.220C>T, p.Arg74Cys (NM_001257195.2); short protein forms R124C, R156C, R74C.
Identifiers: ClinVar variation 1919075 (VCV001919075.6), dbSNP rs139384947, ClinGen allele CA3422497.

ClinVar aggregate classification (germline): Uncertain significance. Review status: criteria provided, multiple submitters, no conflicts (2 of 4 stars). 2 submissions from 2 submitters: Uncertain significance (2). Last evaluated 2025-12-16.

Conditions:
Inborn genetic diseases. Identifiers: MedGen C0950123, MeSH D030342.

Allele frequency attached by ClinVar (database versions not stated): ESP Exome Variant Server 0.00008.

Submissions (2):

Labcorp Genetics (formerly Invitae), Labcorp
Classification: Uncertain significance. Last evaluated: 2025-12-16. Review status: criteria provided, single submitter. Criteria: Invitae Variant Classification Sherloc (09022015). Collection method: clinical testing. Allele origin: germline.
Comment: This sequence change replaces arginine, which is basic and polar, with cysteine, which is neutral and slightly polar, at codon 156 of the KLHL3 protein (p.Arg156Cys). This variant is present in population databases (rs139384947, gnomAD 0.009%). This variant has not been reported in the literature in individuals affected with KLHL3-related conditions. ClinVar contains an entry for this variant (Variation ID: 1919075). Invitae Evidence Modeling of protein sequence and biophysical properties (such as structural, functional, and spatial information, amino acid conservation, physicochemical variation, residue mobility, and thermodynamic stability) indicates that this missense variant is not expected to disrupt KLHL3 protein function with a negative predictive value of 80%. In summary, the available evidence is currently insufficient to determine the role of this variant in disease. Therefore, it has been classified as a Variant of Uncertain Significance.

Ambry Genetics
Classification: Uncertain significance for Inborn genetic diseases. Last evaluated: 2025-05-14. Review status: criteria provided, single submitter. Criteria: Ambry Variant Classification Scheme 2023. Collection method: clinical testing. Allele origin: germline.